The following is an entry in ClinVar:

ClinVar aggregate classification (germline): Uncertain significance (1 of 4 stars; one submission).

Conditions:
Hereditary cancer-predisposing syndrome. Also called: Hereditary Cancer Syndrome; Hereditary neoplastic syndrome; Tumor predisposition; Neoplastic Syndromes, Hereditary. Identifiers: Orphanet 140162, MedGen C0027672, MeSH D009386, MONDO:0015356.

gnomAD v4.1: 1 of 1,611,978 alleles (0.000062%); highest among the groups gnomAD compares: Non-Finnish European, 0.000085%; no homozygotes.

Submission:

Ambry Genetics
Classification: Uncertain significance for Hereditary cancer-predisposing syndrome. Last evaluated: 2024-11-24. Review status: criteria provided, single submitter. Criteria: Ambry Variant Classification Scheme 2023. Collection method: clinical testing. Allele origin: germline.
Comment: The p.A68T variant (also known as c.202G>A), located in coding exon 1 of the ALK gene, results from a G to A substitution at nucleotide position 202. The alanine at codon 68 is replaced by threonine, an amino acid with similar properties. This amino acid position is conserved. In addition, this alteration is predicted to be tolerated by in silico analysis. Based on the available evidence, the clinical significance of this variant remains unclear.

NM_004304.5(ALK):c.202G>A (p.Ala68Thr)

Gene: ALK (ALK receptor tyrosine kinase; minus strand). Cytogenetic location: 2p23.1.
Variant type: single nucleotide variant.
Coding change: c.202G>A on transcript NM_004304.5 (MANE Select); coding-DNA position 202, G replaced by A.
Protein change: p.Ala68Thr; replaces alanine 68 with threonine.
Molecular consequence: missense variant.
Genome position (GRCh38, 1-based): chr2:29,920,458, C>T on the plus strand (G>A on the coding strand, the complement: ALK is on the minus strand). VCF-style: chr2-29920458-C-T. GRCh37 (hg19) VCF-style: chr2-30143324-C-T.
Other names: short protein forms A68T.
Identifiers: ClinVar variation 3525256 (VCV003525256.1).